The following is an entry in ClinVar:

ClinVar aggregate classification (germline): Uncertain significance. Review status: criteria provided, multiple submitters, no conflicts (2 of 4 stars). 2 submissions from 2 submitters: Uncertain significance (2). Last evaluated 2025-12-19.

Conditions:
Dyskeratosis congenita. Identifiers: Orphanet 1775, MedGen C0265965, MONDO:0015780.
Idiopathic Pulmonary Fibrosis. Also called: Idiopathic fibrosing alveolitis, chronic form; idiopathic fibrosing alveolitis. Identifiers: Orphanet 2032, MedGen C1800706, MeSH D054990, MONDO:0800504.
Dyskeratosis congenita, autosomal dominant 2. Identifiers: MedGen C3151443, MONDO:0013521, OMIM 613989.

Allele frequency attached by ClinVar (database versions not stated): gnomAD exomes below 0.00001.

Submissions (2):

Labcorp Genetics (formerly Invitae), Labcorp
Classification: Uncertain significance for Dyskeratosis congenita, autosomal dominant 2; Idiopathic Pulmonary Fibrosis. Last evaluated: 2025-12-19. Review status: criteria provided, single submitter. Criteria: Invitae Variant Classification Sherloc (09022015). Collection method: clinical testing. Allele origin: germline.
Comment: This sequence change replaces alanine, which is neutral and non-polar, with aspartic acid, which is acidic and polar, at codon 107 of the TERT protein (p.Ala107Asp). This variant is not present in population databases (gnomAD no frequency). This variant has not been reported in the literature in individuals affected with TERT-related conditions. ClinVar contains an entry for this variant (Variation ID: 937849). An algorithm developed to predict the effect of missense changes on protein structure and function outputs the following: PolyPhen-2: "Benign". The aspartic acid amino acid residue is found in multiple mammalian species, which suggests that this missense change does not adversely affect protein function. In summary, the available evidence is currently insufficient to determine the role of this variant in disease. Therefore, it has been classified as a Variant of Uncertain Significance.

Ambry Genetics
Classification: Uncertain significance for Dyskeratosis congenita. Last evaluated: 2023-07-30. Review status: criteria provided, single submitter. Criteria: Ambry Variant Classification Scheme 2023. Collection method: clinical testing. Allele origin: germline.
Comment: The p.A107D variant (also known as c.320C>A), located in coding exon 2 of the TERT gene, results from a C to A substitution at nucleotide position 320. The alanine at codon 107 is replaced by aspartic acid, an amino acid with dissimilar properties. This amino acid position is conserved. In addition, the in silico prediction for this alteration is inconclusive. Since supporting evidence is limited at this time, the clinical significance of this alteration remains unclear.

NM_198253.3(TERT):c.320C>A (p.Ala107Asp)

Gene: TERT (telomerase reverse transcriptase; minus strand). Cytogenetic location: 5p15.33.
Variant type: single nucleotide variant.
Coding change: c.320C>A on transcript NM_198253.3 (MANE Select); coding-DNA position 320, C replaced by A.
Protein change: p.Ala107Asp; replaces alanine 107 with aspartic acid.
Molecular consequence: missense variant. On other transcripts: non-coding transcript variant (2).
Genome position (GRCh38, 1-based): chr5:1,294,566, G>T on the plus strand (C>A on the coding strand, the complement: TERT is on the minus strand). VCF-style: chr5-1294566-G-T. GRCh37 (hg19) VCF-style: chr5-1294681-G-T.
Other names: c.320C>A, p.Ala107Asp (NM_001193376.3); short protein forms A107D.
Identifiers: ClinVar variation 937849 (VCV000937849.11), dbSNP rs1751264456, ClinGen allele CA359058325.